The following is an entry in ClinVar:

ClinVar aggregate classification (germline): Pathogenic. Review status: criteria provided, multiple submitters, no conflicts (2 of 4 stars). 2 submissions from 2 submitters: Pathogenic (2). Last evaluated 2024-07-18.

Conditions:
Intellectual developmental disorder, autosomal recessive 27. Also called: Mental retardation, autosomal recessive 27; Intellectual disability, autosomal recessive 27. Identifiers: Orphanet 88616, MedGen C3280538, MONDO:0013702, OMIM 614340.

Allele frequency attached by ClinVar (database versions not stated): gnomAD exomes 0.00001; gnomAD 0.00003; TOPMed 0.00003; ExAC 0.00007.

Submissions (2):

GeneDx
Classification: Pathogenic. Last evaluated: 2024-07-18. Review status: criteria provided, single submitter. Criteria: GeneDx Variant Classification Process June 2021. Collection method: clinical testing. Allele origin: germline. Affected: yes.
Comment: Nonsense variant predicted to result in protein truncation or nonsense mediated decay in a gene for which loss of function is a known mechanism of disease; Has not been previously published as pathogenic or benign to our knowledge

Juno Genomics, Hangzhou Juno Genomics, Inc
Classification: Pathogenic for Intellectual developmental disorder, autosomal recessive 27. Review status: criteria provided, single submitter. Criteria: ACMG Guidelines, 2015. Collection method: clinical testing. Allele origin: germline.
Comment: Absent from controls (or at extremely low frequency if recessive) in Genome Aggregation Database.;Null variant in a gene where loss of function (LOF) is a known mechanism of disease.;For recessive disorders, detected in trans with a pathogenic variant.;Co-segregation with disease in multiple affected family members.

NM_001040616.3(LINS1):c.274C>T (p.Gln92Ter)

Gene: LINS1 (lines homolog 1; minus strand). Cytogenetic location: 15q26.3.
Variant type: single nucleotide variant.
Coding change: c.274C>T on transcript NM_001040616.3 (MANE Select); coding-DNA position 274, C replaced by T.
Protein change: p.Gln92Ter; replaces glutamine 92 with a stop codon.
Molecular consequence: nonsense. On other transcripts: 5 prime UTR variant (1), non-coding transcript variant (3).
Genome position (GRCh38, 1-based): chr15:100,580,569, G>A on the plus strand (C>T on the coding strand, the complement: LINS1 is on the minus strand). VCF-style: chr15-100580569-G-A. GRCh37 (hg19) VCF-style: chr15-101120774-G-A.
Other names: c.-636C>T (NM_001352507.2); c.274C>T, p.Gln92Ter (NM_001352508.2); short protein forms Q92*.
Identifiers: ClinVar variation 2581772 (VCV002581772.4), dbSNP rs755894515, ClinGen allele CA7759735.